The following is an entry in ClinVar:

NM_203447.4(DOCK8):c.828-1120T>A

Gene: DOCK8 (dedicator of cytokinesis 8; plus strand). Cytogenetic location: 9p24.3.
Variant type: single nucleotide variant.
Coding change: c.828-1120T>A on transcript NM_203447.4 (MANE Select); 1120 bases into the intron before coding-DNA position 828, T replaced by A.
Molecular consequence: intron variant.
Genome position (GRCh38, 1-based): chr9:324,551, T>A. VCF-style: chr9-324551-T-A. GRCh37 (hg19) VCF-style: chr9-324551-T-A.
Other names: c.624-1120T>A (NM_001193536.2, NM_001190458.2).
Identifiers: ClinVar variation 4846779 (VCV004846779.1).

ClinVar aggregate classification (germline): Uncertain significance (1 of 4 stars; one submission).

Conditions:
Combined immunodeficiency due to DOCK8 deficiency (HIES2). Also called: HIES autosomal recessive; Hyper-IgE recurrent infection syndrome, autosomal recessive; HYPER-IgE RECURRENT INFECTION SYNDROME 2, AUTOSOMAL RECESSIVE; HYPER-IgE SYNDROME 2, AUTOSOMAL RECESSIVE, WITH RECURRENT INFECTIONS; DOCK8 Deficiency. Identifiers: Orphanet 217390, MedGen C4722305, MONDO:0009478, OMIM 243700.

Submission:

Laboratorio de Genetica e Diagnostico Molecular, Hospital Israelita Albert Einstein
Classification: Uncertain significance for Combined immunodeficiency due to DOCK8 deficiency. Last evaluated: 2026-03-13. Review status: criteria provided, single submitter. Criteria: ACMG Guidelines, 2015. Collection method: clinical testing. Allele origin: germline. Affected: yes.
Comment: ACMG classification criteria: PM2 supporting, BP4 supporting